The following is an entry in ClinVar:

ClinVar aggregate classification (germline): Uncertain significance (1 of 4 stars; one submission).

Submission:

Labcorp Genetics (formerly Invitae), Labcorp
Classification: Uncertain significance. Last evaluated: 2024-12-24. Review status: criteria provided, single submitter. Criteria: Invitae Variant Classification Sherloc (09022015). Collection method: clinical testing. Allele origin: germline.
Comment: This sequence change replaces leucine, which is neutral and non-polar, with proline, which is neutral and non-polar, at codon 394 of the SMAD2 protein (p.Leu394Pro). This variant is not present in population databases (gnomAD no frequency). This variant has not been reported in the literature in individuals affected with SMAD2-related conditions. Invitae Evidence Modeling of protein sequence and biophysical properties (such as structural, functional, and spatial information, amino acid conservation, physicochemical variation, residue mobility, and thermodynamic stability) indicates that this missense variant is expected to disrupt SMAD2 protein function with a positive predictive value of 80%. In summary, the available evidence is currently insufficient to determine the role of this variant in disease. Therefore, it has been classified as a Variant of Uncertain Significance.

NM_005901.6(SMAD2):c.1181T>C (p.Leu394Pro)

Gene: SMAD2 (SMAD family member 2; minus strand). Cytogenetic location: 18q21.1.
Variant type: single nucleotide variant.
Coding change: c.1181T>C on transcript NM_005901.6 (MANE Select); coding-DNA position 1181, T replaced by C.
Protein change: p.Leu394Pro; replaces leucine 394 with proline.
Molecular consequence: missense variant.
Genome position (GRCh38, 1-based): chr18:47,845,439, A>G on the plus strand (T>C on the coding strand, the complement: SMAD2 is on the minus strand). VCF-style: chr18-47845439-A-G. GRCh37 (hg19) VCF-style: chr18-45371810-A-G.
Other names: c.1181T>C, p.Leu394Pro (NM_001003652.4); c.1091T>C, p.Leu364Pro (NM_001135937.3); short protein forms L394P, L364P.
Identifiers: ClinVar variation 3707856 (VCV003707856.2).
Genomic context (GRCh38, chr18:47,845,439, plus strand): 5'-ATGGTGCACATTCTAGTTAGCTGATAGACGGCTTCAAAACCCTGATTAACAGACTGAGCC[A>G]GAAGAGCAGCAAATTCCTGGTTGTTGAAGATCTTCAGATTACAGCCTATGATTAAAAAAG-3'
Protein context (NP_005892.1, residues 384-404): IFNNQEFAAL[Leu394Pro]AQSVNQGFEA